The following is an entry in ClinVar:

ClinVar aggregate classification (germline): Uncertain significance (1 of 4 stars; one submission).

Conditions:
Familial cold autoinflammatory syndrome 4 (FCAS4). Identifiers: Orphanet 47045, Orphanet 576349, MedGen C4015276, MONDO:0014498, OMIM 616115.
Periodic fever-infantile enterocolitis-autoinflammatory syndrome. Also called: Autoinflammation with infantile enterocolitis. Identifiers: Orphanet 436166, MedGen C4015067, MONDO:0014472, OMIM 616050.

Submission:

Labcorp Genetics (formerly Invitae), Labcorp
Classification: Uncertain significance for Periodic fever-infantile enterocolitis-autoinflammatory syndrome; Familial cold autoinflammatory syndrome 4. Last evaluated: 2022-08-16. Review status: criteria provided, single submitter. Criteria: Invitae Variant Classification Sherloc (09022015). Collection method: clinical testing. Allele origin: germline.
Comment: In summary, the available evidence is currently insufficient to determine the role of this variant in disease. Therefore, it has been classified as a Variant of Uncertain Significance. Algorithms developed to predict the effect of missense changes on protein structure and function are either unavailable or do not agree on the potential impact of this missense change (SIFT: "Not Available"; PolyPhen-2: "Probably Damaging"; Align-GVGD: "Not Available"). ClinVar contains an entry for this variant (Variation ID: 1061217). This variant has not been reported in the literature in individuals affected with NLRC4-related conditions. Information on the frequency of this variant in the gnomAD database is not available, as this variant may be reported differently in the database. This sequence change replaces arginine, which is basic and polar, with histidine, which is basic and polar, at codon 181 of the NLRC4 protein (p.Arg181His).

NM_001199138.2(NLRC4):c.542_543delinsAC (p.Arg181His)

Gene: NLRC4 (NLR family CARD domain containing 4; minus strand). Cytogenetic location: 2p22.3.
Variant type: Indel.
Coding change: c.542_543delinsAC on transcript NM_001199138.2 (MANE Select); coding-DNA positions 542 to 543, GA replaced by AC.
Protein change: p.Arg181His; replaces arginine 181 with histidine.
Molecular consequence: missense variant. On other transcripts: intron variant (1).
Genome position (GRCh38, 1-based): chr2:32,251,321-32,251,322, TC replaced by GT on the plus strand (GA replaced by AC on the coding strand, the reverse complement: NLRC4 is on the minus strand). VCF-style: chr2-32251321-TC-GT. GRCh37 (hg19) VCF-style: chr2-32476390-TC-GT.
Other names: c.542_543delGAinsAC, p.Arg181His (NM_001199139.2, NM_021209.5); c.262+1097_262+1098delinsAC (NM_001302504.1); short protein forms R181H.
Identifiers: ClinVar variation 1061217 (VCV001061217.9), dbSNP rs2148943042, ClinGen allele CA2499215891.